The following is an entry in ClinVar:

ClinVar aggregate classification (germline): Uncertain significance (1 of 4 stars; one submission).

Conditions:
Inborn genetic diseases. Identifiers: MedGen C0950123, MeSH D030342.

Allele frequency attached by ClinVar (database versions not stated): gnomAD exomes below 0.00001.
gnomAD v4.1: 3 of 1,612,756 alleles (0.00019%); highest among the groups gnomAD compares: Non-Finnish European, 0.00025%; no homozygotes.

Submission:

Ambry Genetics
Classification: Uncertain significance for Inborn genetic diseases. Last evaluated: 2022-10-03. Review status: criteria provided, single submitter. Criteria: Ambry Variant Classification Scheme 2023. Collection method: clinical testing. Allele origin: germline.
Comment: The p.S1593N variant (also known as c.4778G>A), located in coding exon 33 of the LRRK2 gene, results from a G to A substitution at nucleotide position 4778. The serine at codon 1593 is replaced by asparagine, an amino acid with highly similar properties. This amino acid position is conserved. In addition, this alteration is predicted to be tolerated by in silico analysis. Since supporting evidence is limited at this time, the clinical significance of this alteration remains unclear.

NM_198578.4(LRRK2):c.4778G>A (p.Ser1593Asn)

Gene: LRRK2 (leucine rich repeat kinase 2; plus strand). Cytogenetic location: 12q12.
Variant type: single nucleotide variant.
Coding change: c.4778G>A on transcript NM_198578.4 (MANE Select); coding-DNA position 4778, G replaced by A.
Protein change: p.Ser1593Asn; replaces serine 1593 with asparagine.
Molecular consequence: missense variant.
Genome position (GRCh38, 1-based): chr12:40,315,251, G>A. VCF-style: chr12-40315251-G-A. GRCh37 (hg19) VCF-style: chr12-40709053-G-A.
Other names: short protein forms S1593N.
Identifiers: ClinVar variation 1743008 (VCV001743008.2), dbSNP rs1945176683, ClinGen allele CA384419259.